The following is an entry in ClinVar:

NM_000038.6(APC):c.4436T>C (p.Val1479Ala)

Gene: APC (APC regulator of Wnt signaling pathway; plus strand). Cytogenetic location: 5q22.2.
Variant type: single nucleotide variant.
Coding change: c.4436T>C on transcript NM_000038.6 (MANE Select); coding-DNA position 4436, T replaced by C.
Protein change: p.Val1479Ala; replaces valine 1479 with alanine.
Molecular consequence: missense variant.
Genome position (GRCh38, 1-based): chr5:112,840,030, T>C. VCF-style: chr5-112840030-T-C. GRCh37 (hg19) VCF-style: chr5-112175727-T-C.
Other names: c.4436T>C, p.Val1479Ala (NM_001127510.3, NM_001354895.2, NM_001407450.1); c.4382T>C, p.Val1461Ala (NM_001127511.3); c.4490T>C, p.Val1497Ala (NM_001354896.2, NM_001407447.1, NM_001407448.1 and 1 more transcripts); c.4520T>C, p.Val1507Ala (NM_001407446.1); c.4415T>C, p.Val1472Ala (NM_001407451.1); c.4406T>C, p.Val1469Ala (NM_001407452.1); c.4259T>C, p.Val1420Ala (NM_001407453.1, NM_001354901.2); c.4187T>C, p.Val1396Ala (NM_001407454.1, NM_001407455.1, NM_001407456.1 and 1 more transcripts); and 12 more; short protein forms V1350A, V1396A, V1461A, V1469A, V1472A, V1095A, V1196A, V1353A.
Identifiers: ClinVar variation 2068912 (VCV002068912.8), dbSNP rs1338375489, ClinGen allele CA16031044.

ClinVar aggregate classification (germline): Uncertain significance. Review status: criteria provided, multiple submitters, no conflicts (2 of 4 stars). 2 submissions from 2 submitters: Uncertain significance (2). Last evaluated 2026-02-17.

Conditions:
Hereditary cancer-predisposing syndrome. Also called: Neoplastic Syndromes, Hereditary; Tumor predisposition; Hereditary Cancer Syndrome; Hereditary neoplastic syndrome. Identifiers: Orphanet 140162, MedGen C0027672, MeSH D009386, MONDO:0015356.
Familial adenomatous polyposis 1 (FAP1). Also called: FAMILIAL ADENOMATOUS POLYPOSIS 1, ATTENUATED; POLYPOSIS, ADENOMATOUS INTESTINAL. Identifiers: MedGen C2713442, MONDO:0021056, OMIM 175100. Disease mechanism: loss of function.

Allele frequency attached by ClinVar (database versions not stated): TOPMed below 0.00001; gnomAD 0.00001.

Submissions (2):

Ambry Genetics
Classification: Uncertain significance for Hereditary cancer-predisposing syndrome. Last evaluated: 2026-02-17. Review status: criteria provided, single submitter. Criteria: Ambry Variant Classification Scheme 2023. Collection method: clinical testing. Allele origin: germline.

Labcorp Genetics (formerly Invitae), Labcorp
Classification: Uncertain significance for Familial adenomatous polyposis 1. Last evaluated: 2022-02-19. Review status: criteria provided, single submitter. Criteria: Invitae Variant Classification Sherloc (09022015). Collection method: clinical testing. Allele origin: germline.
Comment: This sequence change replaces valine, which is neutral and non-polar, with alanine, which is neutral and non-polar, at codon 1479 of the APC protein (p.Val1479Ala). This variant is not present in population databases (gnomAD no frequency). This variant has not been reported in the literature in individuals affected with APC-related conditions. Algorithms developed to predict the effect of missense changes on protein structure and function (SIFT, PolyPhen-2, Align-GVGD) all suggest that this variant is likely to be tolerated. In summary, the available evidence is currently insufficient to determine the role of this variant in disease. Therefore, it has been classified as a Variant of Uncertain Significance.